The following is an entry in ClinVar:

NM_016247.4(IMPG2):c.1100dup (p.Leu367fs)

Gene: IMPG2 (interphotoreceptor matrix proteoglycan 2; minus strand). Cytogenetic location: 3q12.3.
Variant type: Duplication.
Coding change: c.1100dup on transcript NM_016247.4 (MANE Select); coding-DNA position 1100, one base duplicated (T; older notation c.1100dupT).
Protein change: p.Leu367fs; shifts the reading frame from leucine 367.
Molecular consequence: frameshift variant.
Genome position (GRCh38, 1-based): chr3:101,257,582, A duplicated on the plus strand (T on the coding strand, the reverse complement: IMPG2 is on the minus strand); the first of 6 consecutive A bases (chr3:101,257,582-101,257,587); duplicating any one gives the same sequence. VCF-style (leftmost placement, unchanged base first): chr3-101257581-C-CA. GRCh37 (hg19) VCF-style: chr3-100976425-C-CA.
Other names: short protein forms L367fs.
Identifiers: ClinVar variation 1440615 (VCV001440615.7), dbSNP rs1260931426, ClinGen allele CA545057440.

ClinVar aggregate classification (germline): Pathogenic/Likely pathogenic. Review status: criteria provided, multiple submitters, no conflicts (2 of 4 stars). 2 submissions from 2 submitters: Pathogenic (1); Likely pathogenic (1). Last evaluated 2021-10-26.

Conditions:
IMPG2-related disorders.

Submissions (2):

Blueprint Genetics
Classification: Likely pathogenic for IMPG2-related disorders. Last evaluated: 2021-10-26. Review status: criteria provided, single submitter. Criteria: ACMG Guidelines, 2015. Collection method: clinical testing. Allele origin: germline. Affected: yes. Observed: 2 variant alleles.

Labcorp Genetics (formerly Invitae), Labcorp
Classification: Pathogenic. Last evaluated: 2021-10-15. Review status: criteria provided, single submitter. Criteria: Invitae Variant Classification Sherloc (09022015). Collection method: clinical testing. Allele origin: germline.
Comment: This sequence change creates a premature translational stop signal (p.Leu367Phefs*12) in the IMPG2 gene. It is expected to result in an absent or disrupted protein product. Loss-of-function variants in IMPG2 are known to be pathogenic (PMID: 20673862). This variant is not present in population databases (ExAC no frequency). This variant has not been reported in the literature in individuals affected with IMPG2-related conditions. For these reasons, this variant has been classified as Pathogenic.

Literature cited by the submitters: PubMed 20673862 (cited by Labcorp Genetics (formerly Invitae), Labcorp).